The following is an entry in ClinVar:

NM_212482.4(FN1):c.6982G>A (p.Gly2328Ser)

Genes: ATIC (5-aminoimidazole-4-carboxamide ribonucleotide formyltransferase/IMP cyclohydrolase; plus strand), FN1 (fibronectin 1; minus strand). Cytogenetic location: 2q35.
Variant type: single nucleotide variant.
Coding change: c.6982G>A on transcript NM_212482.4 (MANE Select); coding-DNA position 6982, G replaced by A.
Protein change: p.Gly2328Ser; replaces glycine 2328 with serine.
Molecular consequence: missense variant.
Genome position (GRCh38, 1-based): chr2:215,367,899, C>T on the plus strand (G>A on the coding strand, the complement: FN1 is on the minus strand). VCF-style: chr2-215367899-C-T. GRCh37 (hg19) VCF-style: chr2-216232622-C-T.
Other names: c.6889G>A, p.Gly2297Ser (NM_001306129.2); c.6352G>A, p.Gly2118Ser (NM_001306130.2); c.6346G>A, p.Gly2116Ser (NM_001306131.2); c.6271G>A, p.Gly2091Ser (NM_001306132.2); c.6712G>A, p.Gly2238Ser (NM_001365517.2); c.6709G>A, p.Gly2237Ser (NM_001365518.2); c.6637G>A, p.Gly2213Ser (NM_001365519.2); c.6634G>A, p.Gly2212Ser (NM_001365520.2); and 8 more; short protein forms G2118S, G2207S, G2212S, G2237S, G2206S, G2328S, G2117S, G2147S.
Identifiers: ClinVar variation 2986308 (VCV002986308.4), dbSNP rs146149463, ClinGen allele CA2093696.
Genomic context (GRCh38, chr2:215,367,899, plus strand): 5'-TGGATGGACAAAGCAACTACTCACTAGATGAATCACATCTGAAATGACCACTTCCAAAGC[C>T]TAAGCACTGGCACAACAGTTTAAAGCCTGATTCAGACATTCGTTCCCACTCATCTCCAAC-3'
Protein context (NP_997647.2, residues 2318-2338): SGFKLLCQCL[Gly2328Ser]FGSGHFRCDS

ClinVar aggregate classification (germline): Uncertain significance. Review status: criteria provided, multiple submitters, no conflicts (2 of 4 stars). 2 submissions from 2 submitters: Uncertain significance (2). Last evaluated 2025-10-14.

Conditions:
Glomerulopathy with fibronectin deposits 2 (GFND2). Identifiers: Orphanet 84090, MedGen C1866075, MONDO:0011165, OMIM 601894.
Spondylometaphyseal dysplasia - Sutcliffe type. Also called: Spondylometaphyseal Dysplasia, Corner Fracture Type; Sutcliffe type of spondylometaphyseal dysplasia; Sutcliffe SMD; Spondylometaphyseal dysplasia, 'corner fracture' type. Identifiers: Orphanet 93315, MedGen C0432221, MONDO:0008479, OMIM 184255.

Allele frequency attached by ClinVar (database versions not stated): ExAC 0.00001; gnomAD 0.00002; TOPMed 0.00002; gnomAD exomes 0.00003; ESP Exome Variant Server 0.00008.
gnomAD v4.1: 49 of 1,614,022 alleles (0.003%); highest among the groups gnomAD compares: Non-Finnish European, 0.0037%; no homozygotes.

Submissions (2):

Labcorp Genetics (formerly Invitae), Labcorp
Classification: Uncertain significance. Last evaluated: 2025-10-14. Review status: criteria provided, single submitter. Criteria: Invitae Variant Classification Sherloc (09022015). Collection method: clinical testing. Allele origin: germline.
Comment: This sequence change replaces glycine, which is neutral and non-polar, with serine, which is neutral and polar, at codon 2328 of the FN1 protein (p.Gly2328Ser). This variant is present in population databases (rs146149463, gnomAD 0.006%). This variant has not been reported in the literature in individuals affected with FN1-related conditions. ClinVar contains an entry for this variant (Variation ID: 2986308). An algorithm developed to predict the effect of missense changes on protein structure and function (PolyPhen-2) suggests that this variant is likely to be disruptive. In summary, the available evidence is currently insufficient to determine the role of this variant in disease. Therefore, it has been classified as a Variant of Uncertain Significance.

Fulgent Genetics
Classification: Uncertain significance for Spondylometaphyseal dysplasia - Sutcliffe type; Glomerulopathy with fibronectin deposits 2. Last evaluated: 2024-01-04. Review status: criteria provided, single submitter. Criteria: ACMG Guidelines, 2015. Collection method: clinical testing. Allele origin: germline.